The following is an entry in ClinVar:

NM_001177701.3(IFT27):c.397G>T (p.Val133Leu)

Genes: CACNG2-DT (CACNG2 divergent transcript; plus strand), IFT27 (intraflagellar transport 27; minus strand). Cytogenetic location: 22q12.3.
Variant type: single nucleotide variant.
Coding change: c.397G>T on transcript NM_001177701.3 (MANE Select); coding-DNA position 397, G replaced by T.
Protein change: p.Val133Leu; replaces valine 133 with leucine.
Molecular consequence: missense variant.
Genome position (GRCh38, 1-based): chr22:36,762,969, C>A on the plus strand (G>T on the coding strand, the complement: IFT27 is on the minus strand). VCF-style: chr22-36762969-C-A. GRCh37 (hg19) VCF-style: chr22-37159013-C-A.
Other names: c.397G>T, p.Val133Leu (NM_001363003.2); c.394G>T, p.Val132Leu (NM_006860.5); short protein forms V133L, V132L.
Identifiers: ClinVar variation 1992654 (VCV001992654.4), dbSNP rs2517821179, ClinGen allele CA411381703.
Genomic context (GRCh38, chr22:36,762,969, plus strand): 5'-ATGTTTCAAAACATTCCAGGCCCTGGCCCAGCGCCCATGCCCGGGCCTCAGCTGAGTCCA[C>A]TGCTCGTCTGCCGGCCAGGTCTGTCTTGTTCCCAACTAAAACACCTACTCAGAAGAAACA-3'
Protein context (NP_001171172.1, residues 123-143): NKTDLAGRRA[Val133Leu]DSAEARAWAL

ClinVar aggregate classification (germline): Uncertain significance (1 of 4 stars; one submission).

Submission:

Labcorp Genetics (formerly Invitae), Labcorp
Classification: Uncertain significance. Last evaluated: 2022-05-10. Review status: criteria provided, single submitter. Criteria: Invitae Variant Classification Sherloc (09022015). Collection method: clinical testing. Allele origin: germline.
Comment: This sequence change replaces valine, which is neutral and non-polar, with leucine, which is neutral and non-polar, at codon 132 of the IFT27 protein (p.Val132Leu). This variant is not present in population databases (gnomAD no frequency). This variant has not been reported in the literature in individuals affected with IFT27-related conditions. Advanced modeling of protein sequence and biophysical properties (such as structural, functional, and spatial information, amino acid conservation, physicochemical variation, residue mobility, and thermodynamic stability) performed at Invitae indicates that this missense variant is expected to disrupt IFT27 protein function. In summary, the available evidence is currently insufficient to determine the role of this variant in disease. Therefore, it has been classified as a Variant of Uncertain Significance.